The following is an entry in ClinVar:

NM_004168.4(SDHA):c.1824G>T (p.Lys608Asn)

Gene: SDHA (succinate dehydrogenase complex flavoprotein subunit A; plus strand). Cytogenetic location: 5p15.33.
Variant type: single nucleotide variant.
Coding change: c.1824G>T on transcript NM_004168.4 (MANE Select); coding-DNA position 1824, G replaced by T.
Protein change: p.Lys608Asn; replaces lysine 608 with asparagine.
Molecular consequence: missense variant.
Genome position (GRCh38, 1-based): chr5:254,422, G>T. VCF-style: chr5-254422-G-T. GRCh37 (hg19) VCF-style: chr5-254537-G-T.
Other names: c.1680G>T, p.Lys560Asn (NM_001294332.2); c.1581G>T, p.Lys527Asn (NM_001330758.2); short protein forms K527N, K608N, K560N.
Identifiers: ClinVar variation 3438689 (VCV003438689.1).

ClinVar aggregate classification (germline): Uncertain significance (1 of 4 stars; one submission).

Conditions:
Hereditary cancer-predisposing syndrome. Also called: Tumor predisposition; Neoplastic Syndromes, Hereditary; Hereditary neoplastic syndrome; Hereditary Cancer Syndrome. Identifiers: Orphanet 140162, MedGen C0027672, MeSH D009386, MONDO:0015356.

Submission:

Ambry Genetics
Classification: Uncertain significance for Hereditary cancer-predisposing syndrome. Last evaluated: 2024-08-23. Review status: criteria provided, single submitter. Criteria: Ambry Variant Classification Scheme 2023. Collection method: clinical testing. Allele origin: germline.
Comment: The p.K608N variant (also known as c.1824G>T), located in coding exon 14 of the SDHA gene, results from a G to T substitution at nucleotide position 1824. The lysine at codon 608 is replaced by asparagine, an amino acid with similar properties. This amino acid position is highly conserved in available vertebrate species. In silico splice site analysis predicts that this alteration will result in the creation or strengthening of a novel splice acceptor site. In addition, the in silico prediction for this alteration is inconclusive. Based on the available evidence, the clinical significance of this variant remains unclear.